The following is an entry in ClinVar:

NM_000213.5(ITGB4):c.1414G>A (p.Gly472Arg)

Gene: ITGB4 (integrin subunit beta 4; plus strand). Cytogenetic location: 17q25.1.
Variant type: single nucleotide variant.
Coding change: c.1414G>A on transcript NM_000213.5 (MANE Select); coding-DNA position 1414, G replaced by A.
Protein change: p.Gly472Arg; replaces glycine 472 with arginine.
Molecular consequence: missense variant.
Genome position (GRCh38, 1-based): chr17:75,732,199, G>A. VCF-style: chr17-75732199-G-A. GRCh37 (hg19) VCF-style: chr17-73728280-G-A.
Other names: c.1414G>A, p.Gly472Arg (NM_001005619.2, NM_001005731.3, NM_001321123.2); short protein forms G472R.
Identifiers: ClinVar variation 3626078 (VCV003626078.2).

ClinVar aggregate classification (germline): Uncertain significance (1 of 4 stars; one submission).

gnomAD v4.1: 11 of 1,613,996 alleles (0.00068%); highest among the groups gnomAD compares: South Asian, 0.0033%; no homozygotes.

Submission:

Labcorp Genetics (formerly Invitae), Labcorp
Classification: Uncertain significance. Last evaluated: 2024-06-05. Review status: criteria provided, single submitter. Criteria: Invitae Variant Classification Sherloc (09022015). Collection method: clinical testing. Allele origin: germline.
Comment: This sequence change replaces glycine, which is neutral and non-polar, with arginine, which is basic and polar, at codon 472 of the ITGB4 protein (p.Gly472Arg). This variant is present in population databases (rs773794609, gnomAD 0.0009%). This variant has not been reported in the literature in individuals affected with ITGB4-related conditions. Advanced modeling of protein sequence and biophysical properties (such as structural, functional, and spatial information, amino acid conservation, physicochemical variation, residue mobility, and thermodynamic stability) performed at Invitae indicates that this missense variant is not expected to disrupt ITGB4 protein function with a negative predictive value of 80%. In summary, the available evidence is currently insufficient to determine the role of this variant in disease. Therefore, it has been classified as a Variant of Uncertain Significance.